The following is an entry in ClinVar:

ClinVar aggregate classification (germline): Conflicting classifications of pathogenicity. Review status: criteria provided, conflicting classifications (1 of 4 stars). 2 submissions from 2 submitters: Likely risk allele (1); Uncertain significance (1). Last evaluated 2021-02-08.

Conditions:
Maturity-onset diabetes of the young (MODY). Also called: Maturity onset diabetes mellitus in young. Identifiers: Orphanet 552, MedGen C0342276, MONDO:0018911, HP:0004904.

Submissions (2):

Women's Health and Genetics/Laboratory Corporation of America, LabCorp
Classification: Uncertain significance. Last evaluated: 2021-02-08. Review status: criteria provided, single submitter. Criteria: LabCorp Variant Classification Summary - May 2015. Collection method: clinical testing. Allele origin: germline.
Comment: Variant summary: HNF4A c.319G>C (p.Ala107Pro) results in a non-conservative amino acid change located in the Zinc finger, nuclear hormone receptor-type domain (IPR001628) of the encoded protein sequence. Five of five in-silico tools predict a damaging effect of the variant on protein function. Several computational tools predict a significant impact on normal splicing: Four predict the variant weakens a 5' donor site. However, these predictions have yet to be confirmed by functional studies. The variant was absent in 199386 control chromosomes. The available data on variant occurrences in the general population are insufficient to allow any conclusion about variant significance. To our knowledge, no occurrence of c.319G>C in individuals affected with Maturity Onset Diabetes Of The Young 1/Neonatal Diabetes Mellitus and no experimental evidence demonstrating its impact on protein function have been reported. No clinical diagnostic laboratories have submitted clinical-significance assessments for this variant to ClinVar after 2014. Based on the evidence outlined above, the variant was classified as uncertain significance.

Clinical Genomics, Uppaluri K&H Personalized Medicine Clinic
Classification: Likely risk allele for Maturity-onset diabetes of the young. Review status: criteria provided, single submitter. Criteria: K & H Uppaluri Personalized Medicine Clinic Variant Classification & Assertion Criteria_Updated V.1. Collection method: research. Allele origin: unknown. Inheritance: Autosomal dominant inheritance.
Comment: Potent mutations in HNF4A are associated with poor insulin secretion in response to hyperglycemia. Associated with MODY1. Patients initially respond well to sulfonylureas but eventually become insulin dependent. However, more evidence is required to ascertain the role of this particular variant rs2063517684 in MODY, yet.

Literature cited by the submitters: DOI 10.1159/000334532 (cited by Clinical Genomics, Uppaluri K&H Personalized Medicine Clinic); PubMed 18268044 (cited by Clinical Genomics, Uppaluri K&H Personalized Medicine Clinic); PubMed 17563455 (cited by Clinical Genomics, Uppaluri K&H Personalized Medicine Clinic); PubMed 32583173 (cited by Clinical Genomics, Uppaluri K&H Personalized Medicine Clinic); PubMed 35052457 (cited by Clinical Genomics, Uppaluri K&H Personalized Medicine Clinic); PubMed 35118593 (cited by Clinical Genomics, Uppaluri K&H Personalized Medicine Clinic).

NM_175914.5(HNF4A):c.319G>C (p.Ala107Pro)

Gene: HNF4A (hepatocyte nuclear factor 4 alpha; plus strand). Cytogenetic location: 20q13.12.
Variant type: single nucleotide variant.
Coding change: c.319G>C on transcript NM_175914.5 (MANE Select); coding-DNA position 319, G replaced by C.
Protein change: p.Ala107Pro; replaces alanine 107 with proline.
Molecular consequence: missense variant.
Genome position (GRCh38, 1-based): chr20:44,407,475, G>C. VCF-style: chr20-44407475-G-C. GRCh37 (hg19) VCF-style: chr20-43036115-G-C.
Other names: c.385G>C, p.Ala129Pro (NM_000457.6, NM_178849.3, NM_178850.3); c.319G>C, p.Ala107Pro (NM_001030003.3, NM_001030004.3); c.364G>C, p.Ala122Pro (NM_001258355.2); c.310G>C, p.Ala104Pro (NM_001287182.2, NM_001287183.2, NM_001287184.2); short protein forms A104P, A107P, A122P, A129P.
Identifiers: ClinVar variation 997898 (VCV000997898.2), dbSNP rs2063517684, ClinGen allele CA409104438.
Genomic context (GRCh38, chr20:44,407,475, plus strand): 5'-AGGAACCAGTGCCGCTACTGCAGGCTCAAGAAATGCTTCCGGGCTGGCATGAAGAAGGAA[G>C]GTGAGCCTCGGCCCTCCCCGCCCCACCACCACTGCCCCACCTGCACCCACAGCTCCCCGA-3'
Protein context (NP_787110.2, residues 97-117): KCFRAGMKKE[Ala107Pro]VQNERDRIST